The following is an entry in ClinVar:

NM_002948.5(RPL15):c.297G>T (p.Gln99His)

Genes: NKIRAS1 (NFKB inhibitor interacting Ras like 1; minus strand), RPL15 (ribosomal protein L15; plus strand). Cytogenetic location: 3p24.2.
Variant type: single nucleotide variant.
Coding change: c.297G>T on transcript NM_002948.5 (MANE Select); coding-DNA position 297, G replaced by T.
Protein change: p.Gln99His; replaces glutamine 99 with histidine.
Molecular consequence: missense variant. On other transcripts: intron variant (1).
Genome position (GRCh38, 1-based): chr3:23,918,564, G>T. VCF-style: chr3-23918564-G-T. GRCh37 (hg19) VCF-style: chr3-23960055-G-T.
Other names: c.297G>T, p.Gln99His (NM_001253379.2, NM_001253380.2, NM_001253382.2 and 2 more transcripts); c.-139-7114C>A (NM_001377380.1); short protein forms Q99H.
Identifiers: ClinVar variation 2818587 (VCV002818587.3), dbSNP rs2471221537, ClinGen allele CA351881813.

ClinVar aggregate classification (germline): Uncertain significance (1 of 4 stars; one submission).

Submission:

Labcorp Genetics (formerly Invitae), Labcorp
Classification: Uncertain significance. Last evaluated: 2022-12-04. Review status: criteria provided, single submitter. Criteria: Invitae Variant Classification Sherloc (09022015). Collection method: clinical testing. Allele origin: germline.
Comment: In summary, the available evidence is currently insufficient to determine the role of this variant in disease. Therefore, it has been classified as a Variant of Uncertain Significance. This sequence change replaces glutamine, which is neutral and polar, with histidine, which is basic and polar, at codon 99 of the RPL15 protein (p.Gln99His). This variant has not been reported in the literature in individuals affected with RPL15-related conditions. Algorithms developed to predict the effect of missense changes on protein structure and function are either unavailable or do not agree on the potential impact of this missense change (SIFT: "Deleterious"; PolyPhen-2: "Possibly Damaging"; Align-GVGD: "Class C0"). This variant is not present in population databases (gnomAD no frequency).